The following is an entry in ClinVar:

NM_001267727.2(ARSG):c.407-2A>C

Gene: ARSG (arylsulfatase G; plus strand). Cytogenetic location: 17q24.2.
Variant type: single nucleotide variant.
Coding change: c.407-2A>C on transcript NM_001267727.2 (MANE Select); the canonical splice acceptor site of the intron before coding-DNA position 407, A replaced by C.
Molecular consequence: splice acceptor variant. On other transcripts: intron variant (1).
Genome position (GRCh38, 1-based): chr17:68,347,123, A>C. VCF-style: chr17-68347123-A-C. GRCh37 (hg19) VCF-style: chr17-66343264-A-C.
Other names: c.407-2A>C (NM_001352904.2, NM_014960.5, NM_001352903.2 and 8 more transcripts); c.406+3332A>C (NM_001352909.2).
Identifiers: ClinVar variation 3251973 (VCV003251973.1), dbSNP rs2510614539.

ClinVar aggregate classification (germline): Likely pathogenic (1 of 4 stars; one submission).

Conditions:
Usher syndrome, type 4. Also called: USHER SYNDROME, TYPE IV. Identifiers: MedGen C4748364, MONDO:0029141, OMIM 618144.

Submission:

Diagnostics Services (NGS), CSIR - Centre For Cellular And Molecular Biology
Classification: Likely pathogenic for Usher syndrome, type 4. Last evaluated: 2024-05-31. Review status: criteria provided, single submitter. Criteria: ACMG Guidelines, 2015. Collection method: clinical testing. Allele origin: germline. Affected: yes. Observed: 1 variant allele, 1 homozygote.
Comment: The c.407-2A>C variant is not present in publicly available population databases like 1000 Genomes, ExAC, EVS, gnomAD, Indian Exome Database or our in-house exome database. This variant has neither been published in literature with ARSG-related conditions nor reported to the clinical databases like Human Genome Mutation Database (HGMD), ClinVar or OMIM, in any affected individuals. Algorithms developed to predict the effect of sequence changes on RNA splicing suggest that this variant can disrupt the consensus splice site. In-silico pathogenicity prediction programs like MutationTaster2, CADD, Varsome, Franklin etc predicted this variant to be likely deleterious, however these predictions were not confirmed by published functional/translational studies.